The following is an entry in ClinVar:

NM_173500.4(TTBK2):c.433-74A>G

Gene: TTBK2 (tau tubulin kinase 2; minus strand). Cytogenetic location: 15q15.2.
Variant type: single nucleotide variant.
Coding change: c.433-74A>G on transcript NM_173500.4 (MANE Select); 74 bases into the intron before coding-DNA position 433, A replaced by G.
Molecular consequence: intron variant.
Genome position (GRCh38, 1-based): chr15:42,828,106, T>C on the plus strand (A>G on the coding strand, the complement: TTBK2 is on the minus strand). VCF-style: chr15-42828106-T-C. GRCh37 (hg19) VCF-style: chr15-43120304-T-C.
Identifiers: ClinVar variation 1691189 (VCV001691189.3), dbSNP rs115737553, ClinGen allele CA269920297.
Genomic context (GRCh38, chr15:42,828,106, plus strand): 5'-GAAGGAAAATATATACATTCTTATAATACTTAGTCCTTACATTTTATCATTCTTACATTT[T>C]AAGTCTTCTTCTATTTAAGCTCTATATAACACACATGTTCCAAATATACTATTCTAGTAA-3'

ClinVar aggregate classification (germline): Likely benign. Review status: criteria provided, multiple submitters, no conflicts (2 of 4 stars). 2 submissions from 2 submitters: Likely benign (2). Last evaluated 2021-12-03.

Allele frequency attached by ClinVar (database versions not stated): gnomAD exomes 0.00128; gnomAD 0.01205 and 0.01282; TOPMed 0.01335; 1000 Genomes Project 30x 0.01515; 1000 Genomes Project 0.01518.
gnomAD v4.1: 3,243 of 1,189,130 alleles (0.27%); highest among the groups gnomAD compares: African/African-American, 4.2%; 56 homozygotes.

Submissions (2):

GeneDx
Classification: Likely benign. Last evaluated: 2021-12-03. Review status: criteria provided, single submitter. Criteria: GeneDx Variant Classification Process June 2021. Collection method: clinical testing. Allele origin: germline. Affected: yes.
Comment: See Variant Classification Assertion Criteria.

Breakthrough Genomics
Classification: Likely benign. Review status: criteria provided, single submitter. Criteria: ACMG Guidelines, 2015. Collection method: not provided. Allele origin: germline. Inheritance: Autosomal dominant inheritance. Affected: yes.